The following is an entry in ClinVar:

NM_152266.5(FAAP24):c.*32T>C

Gene: FAAP24 (FA core complex associated protein 24; plus strand). Cytogenetic location: 19q13.11.
Variant type: single nucleotide variant.
Coding change: c.*32T>C on transcript NM_152266.5 (MANE Select); 32 bases downstream of the stop codon, T replaced by C.
Molecular consequence: 3 prime UTR variant.
Genome position (GRCh38, 1-based): chr19:32,976,714, T>C. VCF-style: chr19-32976714-T-C. GRCh37 (hg19) VCF-style: chr19-33467620-T-C.
Other names: c.*32T>C (NM_001300978.2).
Identifiers: ClinVar variation 2627899 (VCV002627899.2), dbSNP rs7247715, ClinGen allele CA9360200.

ClinVar aggregate classification (germline): Benign (1 of 4 stars; one submission).

Allele frequency attached by ClinVar (database versions not stated): gnomAD exomes 0.86395; ExAC 0.89286; ESP Exome Variant Server 0.89290; gnomAD 0.90021; TOPMed 0.90217; 1000 Genomes Project 0.93670; 1000 Genomes Project 30x 0.93723.
gnomAD v4.1: 1,395,188 of 1,608,122 alleles (87%); highest among the groups gnomAD compares: African/African-American, 98%; 606,641 homozygotes.

Submission:

Unidad de Genómica Garrahan, Hospital de Pediatría Garrahan
Classification: Benign. Last evaluated: 2023-11-02. Review status: criteria provided, single submitter. Criteria: ACMG Guidelines, 2015. Collection method: clinical testing. Allele origin: germline. Affected: no. Observed: 96 variant alleles.
Comment: This variant is classified as Benign based on local population frequency. This variant was detected in 100% of patients studied by a panel of primary immunodeficiencies. Number of patients: 96. Only high quality variants are reported.